The following is an entry in ClinVar:

NM_030665.4(RAI1):c.855G>A (p.Gln285=)

Gene: RAI1 (retinoic acid induced 1; plus strand). Cytogenetic location: 17p11.2.
Variant type: single nucleotide variant.
Coding change: c.855G>A on transcript NM_030665.4 (MANE Select); coding-DNA position 855, G replaced by A.
Protein change: p.Gln285=; no amino-acid change (glutamine 285 retained).
Molecular consequence: synonymous variant.
Genome position (GRCh38, 1-based): chr17:17,793,803, G>A. VCF-style: chr17-17793803-G-A. GRCh37 (hg19) VCF-style: chr17-17697117-G-A.
Identifiers: ClinVar variation 1199557 (VCV001199557.11), dbSNP rs749246569, ClinGen allele CA498423053.

ClinVar aggregate classification (germline): Likely benign. Review status: criteria provided, multiple submitters, no conflicts (2 of 4 stars). 2 submissions from 2 submitters: Likely benign (2). Last evaluated 2025-09-02.

Submissions (2):

Labcorp Genetics (formerly Invitae), Labcorp
Classification: Likely benign. Last evaluated: 2025-09-02. Review status: criteria provided, single submitter. Criteria: Invitae Variant Classification Sherloc (09022015). Collection method: clinical testing. Allele origin: germline.

GeneDx
Classification: Likely benign. Last evaluated: 2019-04-18. Review status: criteria provided, single submitter. Criteria: GeneDx Variant Classification Process June 2021. Collection method: clinical testing. Allele origin: germline. Affected: yes.
Comment: Not observed in large population cohorts (Lek et al., 2016); Has not been previously published as pathogenic or benign to our knowledge